The following is an entry in ClinVar:

NM_001184.4(ATR):c.5852G>C (p.Arg1951Pro)

Gene: ATR (ATR checkpoint kinase; minus strand). Cytogenetic location: 3q23.
Variant type: single nucleotide variant.
Coding change: c.5852G>C on transcript NM_001184.4 (MANE Select); coding-DNA position 5852, G replaced by C.
Protein change: p.Arg1951Pro; replaces arginine 1951 with proline.
Molecular consequence: missense variant.
Genome position (GRCh38, 1-based): chr3:142,496,407, C>G on the plus strand (G>C on the coding strand, the complement: ATR is on the minus strand). VCF-style: chr3-142496407-C-G. GRCh37 (hg19) VCF-style: chr3-142215249-C-G.
Other names: c.5852G>C (NM_001184.3); c.5660G>C, p.Arg1887Pro (NM_001354579.2); short protein forms R1887P, R1951P.
Identifiers: ClinVar variation 1055824 (VCV001055824.8), dbSNP rs745882886, ClinGen allele CA2649521.

ClinVar aggregate classification (germline): Uncertain significance. Review status: criteria provided, multiple submitters, no conflicts (2 of 4 stars). 3 submissions from 3 submitters: Uncertain significance (3). Last evaluated 2025-10-30.

Conditions:
Inborn genetic diseases. Identifiers: MedGen C0950123, MeSH D030342.
Familial cutaneous telangiectasia and oropharyngeal predisposition cancer syndrome. Identifiers: Orphanet 313846, MedGen C3281203, MONDO:0013806, OMIM 614564.
Seckel syndrome 1 (SCKL1). Also called: MICROCEPHALIC PRIMORDIAL DWARFISM I. Identifiers: Orphanet 808, MedGen C4551474, MONDO:0008869, OMIM 210600.

Allele frequency attached by ClinVar (database versions not stated): ExAC 0.00002; gnomAD exomes 0.00002.
gnomAD v4.1: 13 of 1,600,624 alleles (0.00081%); highest among the groups gnomAD compares: African/African-American, 0.015%; no homozygotes.

Submissions (3):

Ambry Genetics
Classification: Uncertain significance for Inborn genetic diseases. Last evaluated: 2025-10-30. Review status: criteria provided, single submitter. Criteria: Ambry Variant Classification Scheme 2023. Collection method: clinical testing. Allele origin: germline.

Fulgent Genetics
Classification: Uncertain significance for Seckel syndrome 1; Familial cutaneous telangiectasia and oropharyngeal predisposition cancer syndrome. Last evaluated: 2024-06-17. Review status: criteria provided, single submitter. Criteria: ACMG Guidelines, 2015. Collection method: clinical testing. Allele origin: germline.

Labcorp Genetics (formerly Invitae), Labcorp
Classification: Uncertain significance. Last evaluated: 2022-05-15. Review status: criteria provided, single submitter. Criteria: Invitae Variant Classification Sherloc (09022015). Collection method: clinical testing. Allele origin: germline.
Comment: This sequence change replaces arginine, which is basic and polar, with proline, which is neutral and non-polar, at codon 1951 of the ATR protein (p.Arg1951Pro). This variant is present in population databases (rs745882886, gnomAD 0.03%). This variant has not been reported in the literature in individuals affected with ATR-related conditions. ClinVar contains an entry for this variant (Variation ID: 1055824). Algorithms developed to predict the effect of missense changes on protein structure and function are either unavailable or do not agree on the potential impact of this missense change (SIFT: "Tolerated"; PolyPhen-2: "Possibly Damaging"; Align-GVGD: "Class C0"). In summary, the available evidence is currently insufficient to determine the role of this variant in disease. Therefore, it has been classified as a Variant of Uncertain Significance.